The following is an entry in ClinVar:

ClinVar aggregate classification (germline): Uncertain significance (1 of 4 stars; one submission).

Allele frequency attached by ClinVar (database versions not stated): gnomAD 0.00001; gnomAD exomes 0.00001; ExAC 0.00002; TOPMed 0.00002; ESP Exome Variant Server 0.00015.
gnomAD v4.1: 12 of 1,614,068 alleles (0.00074%); highest among the groups gnomAD compares: Middle Eastern, 0.033%; no homozygotes.

Submission:

Labcorp Genetics (formerly Invitae), Labcorp
Classification: Uncertain significance. Last evaluated: 2022-10-17. Review status: criteria provided, single submitter. Criteria: Invitae Variant Classification Sherloc (09022015). Collection method: clinical testing. Allele origin: germline.
Comment: This sequence change replaces arginine, which is basic and polar, with histidine, which is basic and polar, at codon 104 of the ARSG protein (p.Arg104His). This variant is present in population databases (rs139424653, gnomAD 0.003%). This variant has not been reported in the literature in individuals affected with ARSG-related conditions. ClinVar contains an entry for this variant (Variation ID: 1498989). Advanced modeling of protein sequence and biophysical properties (such as structural, functional, and spatial information, amino acid conservation, physicochemical variation, residue mobility, and thermodynamic stability) performed at Invitae indicates that this missense variant is not expected to disrupt ARSG protein function. In summary, the available evidence is currently insufficient to determine the role of this variant in disease. Therefore, it has been classified as a Variant of Uncertain Significance.

NM_001267727.2(ARSG):c.311G>A (p.Arg104His)

Gene: ARSG (arylsulfatase G; plus strand). Cytogenetic location: 17q24.2.
Variant type: single nucleotide variant.
Coding change: c.311G>A on transcript NM_001267727.2 (MANE Select); coding-DNA position 311, G replaced by A.
Protein change: p.Arg104His; replaces arginine 104 with histidine.
Molecular consequence: missense variant.
Genome position (GRCh38, 1-based): chr17:68,343,696, G>A. VCF-style: chr17-68343696-G-A. GRCh37 (hg19) VCF-style: chr17-66339837-G-A.
Other names: c.311G>A, p.Arg104His (NM_001352899.2, NM_001352900.2, NM_001352901.2 and 9 more transcripts); short protein forms R104H.
Identifiers: ClinVar variation 1498989 (VCV001498989.5), dbSNP rs139424653, ClinGen allele CA8728163.